The following is an entry in ClinVar:

NM_020937.4(FANCM):c.5393C>T (p.Ser1798Leu)

Gene: FANCM (FA complementation group M; plus strand). Cytogenetic location: 14q21.2.
Variant type: single nucleotide variant.
Coding change: c.5393C>T on transcript NM_020937.4 (MANE Select); coding-DNA position 5393, C replaced by T.
Protein change: p.Ser1798Leu; replaces serine 1798 with leucine.
Molecular consequence: missense variant.
Genome position (GRCh38, 1-based): chr14:45,196,224, C>T. VCF-style: chr14-45196224-C-T. GRCh37 (hg19) VCF-style: chr14-45665427-C-T.
Other names: c.5315C>T, p.Ser1772Leu (NM_001308133.2); short protein forms S1772L, S1798L.
Identifiers: ClinVar variation 1691904 (VCV001691904.1), dbSNP rs1890047449, ClinGen allele CA389585667.

ClinVar aggregate classification (germline): Uncertain significance (1 of 4 stars; one submission).

Conditions:
Hereditary cancer-predisposing syndrome. Also called: Hereditary Cancer Syndrome; Hereditary neoplastic syndrome; Neoplastic Syndromes, Hereditary; Tumor predisposition. Identifiers: Orphanet 140162, MedGen C0027672, MeSH D009386, MONDO:0015356.

Allele frequency attached by ClinVar (database versions not stated): TOPMed below 0.00001.

Submission:

Sema4
Classification: Uncertain significance for Hereditary cancer-predisposing syndrome. Last evaluated: 2021-12-17. Review status: criteria provided, single submitter. Criteria: Sema4 Curation Guidelines. Collection method: curation. Allele origin: germline.
Comment: The FANCM c.5393C>T (p.S1798L) variant has not been reported in the literature to our knowledge. It was not observed in the Genome Aggregation Database (PMID: 32461654). This variant has not been reported in ClinVar. Functional studies have not been performed, and in silico predictions of the variant's effect on protein function are inconclusive. The evidence is insufficient to meet ACMG/AMP criteria for classifying the variant as benign or pathogenic. Thus, the clinical significance of this variant is currently uncertain.